The following is an entry in ClinVar:

NM_014140.4(SMARCAL1):c.1A>G (p.Met1Val)

Gene: SMARCAL1 (SNF2 related chromatin remodeling annealing helicase 1; plus strand). Cytogenetic location: 2q35.
Variant type: single nucleotide variant.
Coding change: c.1A>G on transcript NM_014140.4 (MANE Select); coding-DNA position 1, A replaced by G.
Protein change: p.Met1Val; changes the start codon (methionine 1).
Molecular consequence: missense variant, initiator codon variant.
Genome position (GRCh38, 1-based): chr2:216,414,705, A>G. VCF-style: chr2-216414705-A-G. GRCh37 (hg19) VCF-style: chr2-217279428-A-G.
Other names: c.1A>G, p.Met1Val (NM_001127207.2); short protein forms M1V.
Identifiers: ClinVar variation 3032866 (VCV003032866.2), dbSNP rs747306952, ClinGen allele CA350496157.
Genomic context (GRCh38, chr2:216,414,705, plus strand): 5'-AGCTTTTGCCAACTTTCCAATTAAAGGTTGACATTCCTGCATAAGCATTTCTCTGTGAAA[A>G]TGTCCTTGCCTCTTACAGAGGAGCAGAGGAAAAAGATTGAAGAGAATCGACAAAAGGCTC-3'
Protein context (NP_054859.2, residues 1-11): [Met1Val]SLPLTEEQRK

ClinVar aggregate classification (germline): Uncertain significance (0 of 4 stars; one submission).

Conditions:
SMARCAL1-related disorder. Also called: SMARCAL1-related condition.

Submission:

PreventionGenetics, part of Exact Sciences
Classification: Uncertain significance for SMARCAL1-related condition. Last evaluated: 2023-11-04. Review status: no assertion criteria provided. Collection method: clinical testing. Allele origin: germline.
Comment: The SMARCAL1 c.1A>G variant is predicted to disrupt the translation initiation site (p.Met1?). To our knowledge, this variant has not been reported in the literature or in a large population database, indicating this variant is rare. An alternative variant at this start codon c.3G>A (p.Met1?) has been reported in compound heterozygous state in patient with Schimke immuno-osseous dysplasia (Yue et al. 2010. PubMed ID: 20179009). Although we suspect that this variant may be pathogenic, at this time, the clinical significance of this variant is uncertain due to the absence of conclusive functional and genetic evidence.